The following is an entry in ClinVar:

NM_052947.4(ALPK2):c.4703C>T (p.Pro1568Leu)

Genes: ALPK2 (alpha kinase 2; minus strand), LOC126862764 (BRD4-independent group 4 enhancer GRCh37_chr18:56202574-56203773; plus strand). Cytogenetic location: 18q21.31.
Variant type: single nucleotide variant.
Coding change: c.4703C>T on transcript NM_052947.4 (MANE Select); coding-DNA position 4703, C replaced by T.
Protein change: p.Pro1568Leu; replaces proline 1568 with leucine.
Molecular consequence: missense variant.
Genome position (GRCh38, 1-based): chr18:58,535,484, G>A on the plus strand (C>T on the coding strand, the complement: ALPK2 is on the minus strand). VCF-style: chr18-58535484-G-A. GRCh37 (hg19) VCF-style: chr18-56202716-G-A.
Other names: short protein forms P1568L.
Identifiers: ClinVar variation 3530715 (VCV003530715.1).
Genomic context (GRCh38, chr18:58,535,484, plus strand): 5'-CTTTTCTGTGAAACAGGAAACACATACTGACGCTTTCTGGGCTCAACTATGTCATTTTCA[G>A]GGACGTCATGAATTTGGCCTGTGGAGTTGTGCGTGTCAACCCCAAGAGAAGCGTGAGTCA-3'
Protein context (NP_443179.3, residues 1558-1578): HNSTGQIHDV[Pro1568Leu]ENDIVEPRKR

ClinVar aggregate classification (germline): Uncertain significance (1 of 4 stars; one submission).

Submission:

Ambry Genetics
Classification: Uncertain significance. Last evaluated: 2024-07-11. Review status: criteria provided, single submitter. Criteria: Ambry Variant Classification Scheme 2023. Collection method: clinical testing. Allele origin: germline.
Comment: The p.P1568L variant (also known as c.4703C>T), located in coding exon 4 of the ALPK2 gene, results from a C to T substitution at nucleotide position 4703. The proline at codon 1568 is replaced by leucine, an amino acid with similar properties. This amino acid position is conserved. In addition, this alteration is predicted to be tolerated by in silico analysis. Based on the available evidence, the clinical significance of this variant remains unclear.